The following is an entry in ClinVar:

ClinVar aggregate classification (germline): Uncertain significance (1 of 4 stars; one submission).

gnomAD v4.1: 1 of 1,175,824 alleles (0.000085%); highest among the groups gnomAD compares: Non-Finnish European, 0.00011%; no homozygotes.

Submission:

CeGaT Center for Human Genetics Tuebingen
Classification: Uncertain significance. Last evaluated: 2024-02-01. Review status: criteria provided, single submitter. Criteria: CeGaT Center For Human Genetics Tuebingen Variant Classification Criteria Version 2. Collection method: clinical testing. Allele origin: germline. Affected: yes. Observed: 1 variant allele.
Comment: TBC1D8B: PM2, BP4

NM_017752.3(TBC1D8B):c.2275G>C (p.Glu759Gln)

Gene: TBC1D8B (TBC1 domain family member 8B; plus strand). Cytogenetic location: Xq22.3.
Variant type: single nucleotide variant.
Coding change: c.2275G>C on transcript NM_017752.3 (MANE Select); coding-DNA position 2275, G replaced by C.
Protein change: p.Glu759Gln; replaces glutamic acid 759 with glutamine.
Molecular consequence: missense variant.
Genome position (GRCh38, 1-based): chrX:106,854,219, G>C. VCF-style: chrX-106854219-G-C. GRCh37 (hg19) VCF-style: chrX-106097449-G-C.
Other names: short protein forms E759Q.
Identifiers: ClinVar variation 3026397 (VCV003026397.22), dbSNP rs2521673295, ClinGen allele CA413813981.